The following is an entry in ClinVar:

ClinVar aggregate classification (germline): Uncertain significance (1 of 4 stars; one submission).

Conditions:
Hereditary cancer-predisposing syndrome. Also called: Neoplastic Syndromes, Hereditary; Tumor predisposition; Hereditary neoplastic syndrome; Hereditary Cancer Syndrome. Identifiers: Orphanet 140162, MedGen C0027672, MeSH D009386, MONDO:0015356.

Submission:

Ambry Genetics
Classification: Uncertain significance for Hereditary cancer-predisposing syndrome. Last evaluated: 2024-11-26. Review status: criteria provided, single submitter. Criteria: Ambry Variant Classification Scheme 2023. Collection method: clinical testing. Allele origin: germline.
Comment: The p.R1633G variant (also known as c.4897C>G), located in coding exon 34 of the SMARCA4 gene, results from a C to G substitution at nucleotide position 4897. The arginine at codon 1633 is replaced by glycine, an amino acid with dissimilar properties. This amino acid position is highly conserved in available vertebrate species. In addition, the in silico prediction for this alteration is inconclusive. Based on the available evidence, the clinical significance of this variant remains unclear.

NM_003072.5(SMARCA4):c.4801C>G (p.Arg1601Gly)

Gene: SMARCA4 (SWI/SNF related BAF chromatin remodeling complex subunit ATPase 4; plus strand). Cytogenetic location: 19p13.2.
Variant type: single nucleotide variant.
Coding change: c.4801C>G on transcript NM_003072.5 (MANE Select); coding-DNA position 4801, C replaced by G.
Protein change: p.Arg1601Gly; replaces arginine 1601 with glycine.
Molecular consequence: missense variant. On other transcripts: non-coding transcript variant (1).
Genome position (GRCh38, 1-based): chr19:11,060,077, C>G. VCF-style: chr19-11060077-C-G. GRCh37 (hg19) VCF-style: chr19-11170753-C-G.
Other names: c.4801C>G, p.Arg1601Gly (NM_001128844.3); c.4711C>G, p.Arg1571Gly (NM_001128845.2); c.4708C>G, p.Arg1570Gly (NM_001128846.2); c.4702C>G, p.Arg1568Gly (NM_001128847.4, NM_001374457.1); c.4699C>G, p.Arg1567Gly (NM_001128848.2); c.4897C>G, p.Arg1633Gly (NM_001128849.3, NM_001387283.1); c.4798C>G, p.Arg1600Gly (NM_001411150.1); short protein forms R1567G, R1568G, R1570G, R1571G, R1600G, R1601G, R1633G.
Identifiers: ClinVar variation 3233132 (VCV003233132.2), dbSNP rs766797299, ClinGen allele CA404080398.